The following is an entry in ClinVar:

ClinVar aggregate classification (germline): Conflicting classifications of pathogenicity. Review status: criteria provided, conflicting classifications (1 of 4 stars). 2 submissions from 2 submitters: Uncertain significance (1); Likely benign (1). Last evaluated 2026-02-04.

Conditions:
Hereditary cancer-predisposing syndrome. Also called: Tumor predisposition; Hereditary Cancer Syndrome; Hereditary neoplastic syndrome; Neoplastic Syndromes, Hereditary. Identifiers: Orphanet 140162, MedGen C0027672, MeSH D009386, MONDO:0015356.
Retinoblastoma (RB1). Also called: RETINOBLASTOMA, SOMATIC. Identifiers: Orphanet 790, MedGen C0035335, MeSH D012175, MONDO:0008380, OMIM 180200, HP:0009919. Disease mechanism: loss of function. Inheritance: Both sporadic and heritable forms are tested..

Submissions (2):

Ambry Genetics
Classification: Uncertain significance for Hereditary cancer-predisposing syndrome. Last evaluated: 2026-02-04. Review status: criteria provided, single submitter. Criteria: Ambry Variant Classification Scheme 2023. Collection method: clinical testing. Allele origin: germline.
Comment: The c.1050-5T>C intronic variant results from a T to C substitution 5 nucleotides upstream from coding exon 11 in the RB1 gene. This nucleotide position is well conserved in available vertebrate species. In silico splice site analysis predicts that this alteration will not have any significant effect on splicing. Based on the available evidence, the clinical significance of this variant remains unclear.

Labcorp Genetics (formerly Invitae), Labcorp
Classification: Likely benign for Retinoblastoma. Last evaluated: 2023-01-28. Review status: criteria provided, single submitter. Criteria: Invitae Variant Classification Sherloc (09022015). Collection method: clinical testing. Allele origin: germline.

NM_000321.3(RB1):c.1050-5T>C

Gene: RB1 (RB transcriptional corepressor 1; plus strand). Cytogenetic location: 13q14.2.
Variant type: single nucleotide variant.
Coding change: c.1050-5T>C on transcript NM_000321.3 (MANE Select); 5 bases into the intron before coding-DNA position 1050, T replaced by C.
Molecular consequence: intron variant.
Genome position (GRCh38, 1-based): chr13:48,368,522, T>C. VCF-style: chr13-48368522-T-C. GRCh37 (hg19) VCF-style: chr13-48942658-T-C.
Identifiers: ClinVar variation 1776822 (VCV001776822.6), dbSNP rs2542189673, ClinGen allele CA2580087574.